The following is an entry in ClinVar:

NM_005045.4(RELN):c.3718T>C (p.Tyr1240His)

Gene: RELN (reelin; minus strand). Cytogenetic location: 7q22.1.
Variant type: single nucleotide variant.
Coding change: c.3718T>C on transcript NM_005045.4 (MANE Select); coding-DNA position 3718, T replaced by C.
Protein change: p.Tyr1240His; replaces tyrosine 1240 with histidine.
Molecular consequence: missense variant.
Genome position (GRCh38, 1-based): chr7:103,593,876, A>G on the plus strand (T>C on the coding strand, the complement: RELN is on the minus strand). VCF-style: chr7-103593876-A-G. GRCh37 (hg19) VCF-style: chr7-103234323-A-G.
Other names: c.3718T>C, p.Tyr1240His (NM_173054.3); short protein forms Y1240H.
Identifiers: ClinVar variation 4629015 (VCV004629015.2).

ClinVar aggregate classification (germline): Uncertain significance. Review status: criteria provided, multiple submitters, no conflicts (2 of 4 stars). 2 submissions from 2 submitters: Uncertain significance (2). Last evaluated 2025-12-17.

Conditions:
Inborn genetic diseases. Identifiers: MedGen C0950123, MeSH D030342.
Norman-Roberts syndrome (LIS2). Also called: Lissencephaly 2 (Norman-Roberts type). Identifiers: Orphanet 89844, MedGen C0796089, MONDO:0009760, OMIM 257320.
Familial temporal lobe epilepsy 7. Identifiers: Orphanet 101046, MedGen C4225327, MONDO:0014639, OMIM 616436.

gnomAD v4.1: 12 of 1,611,854 alleles (0.00074%); highest among the groups gnomAD compares: South Asian, 0.0011%; no homozygotes.

Submissions (2):

Labcorp Genetics (formerly Invitae), Labcorp
Classification: Uncertain significance for Familial temporal lobe epilepsy 7; Norman-Roberts syndrome. Last evaluated: 2025-12-17. Review status: criteria provided, single submitter. Criteria: Invitae Variant Classification Sherloc (09022015). Collection method: clinical testing. Allele origin: germline.
Comment: This sequence change replaces tyrosine, which is neutral and polar, with histidine, which is basic and polar, at codon 1240 of the RELN protein (p.Tyr1240His). This variant is not present in population databases (gnomAD no frequency). This variant has not been reported in the literature in individuals affected with RELN-related conditions. Invitae Evidence Modeling of protein sequence and biophysical properties (such as structural, functional, and spatial information, amino acid conservation, physicochemical variation, residue mobility, and thermodynamic stability) indicates that this missense variant is not expected to disrupt RELN protein function with a negative predictive value of 80%. In summary, the available evidence is currently insufficient to determine the role of this variant in disease. Therefore, it has been classified as a Variant of Uncertain Significance.

Ambry Genetics
Classification: Uncertain significance for Inborn genetic diseases. Last evaluated: 2025-10-21. Review status: criteria provided, single submitter. Criteria: Ambry Variant Classification Scheme 2023. Collection method: clinical testing. Allele origin: germline.